The following is an entry in ClinVar:

ClinVar aggregate classification (germline): Uncertain significance (1 of 4 stars; one submission).

Conditions:
Inborn genetic diseases. Identifiers: MedGen C0950123, MeSH D030342.

gnomAD v4.1: 1 of 1,613,912 alleles (0.000062%); no homozygotes.

Submission:

Ambry Genetics
Classification: Uncertain significance for Inborn genetic diseases. Last evaluated: 2022-11-05. Review status: criteria provided, single submitter. Criteria: Ambry Variant Classification Scheme 2023. Collection method: clinical testing. Allele origin: germline.
Comment: The p.P727S variant (also known as c.2179C>T), located in coding exon 22 of the ERCC2 gene, results from a C to T substitution at nucleotide position 2179. The proline at codon 727 is replaced by serine, an amino acid with similar properties. This amino acid position is conserved. In addition, this alteration is predicted to be deleterious by in silico analysis. Since supporting evidence is limited at this time, the clinical significance of this alteration remains unclear.

NM_000400.4(ERCC2):c.2179C>T (p.Pro727Ser)

Gene: ERCC2 (ERCC excision repair 2, TFIIH core complex helicase subunit; minus strand). Cytogenetic location: 19q13.32.
Variant type: single nucleotide variant.
Coding change: c.2179C>T on transcript NM_000400.4 (MANE Select); coding-DNA position 2179, C replaced by T.
Protein change: p.Pro727Ser; replaces proline 727 with serine.
Molecular consequence: missense variant.
Genome position (GRCh38, 1-based): chr19:45,352,220, G>A on the plus strand (C>T on the coding strand, the complement: ERCC2 is on the minus strand). VCF-style: chr19-45352220-G-A. GRCh37 (hg19) VCF-style: chr19-45855478-G-A.
Other names: short protein forms P727S.
Identifiers: ClinVar variation 2479621 (VCV002479621.2), dbSNP rs1568531156, ClinGen allele CA406360904.